The following is an entry in ClinVar:

ClinVar aggregate classification (germline): Uncertain significance (1 of 4 stars; one submission).

Conditions:
Hereditary spastic paraplegia 28. Also called: Spastic paraplegia 28, autosomal recessive. Identifiers: Orphanet 101008, MedGen C1836295, MONDO:0012256, OMIM 609340.

Allele frequency attached by ClinVar (database versions not stated): gnomAD exomes below 0.00001.
gnomAD v4.1: 1 of 1,611,410 alleles (0.000062%); highest among the groups gnomAD compares: Non-Finnish European, 0.000085%; no homozygotes.

Submission:

Labcorp Genetics (formerly Invitae), Labcorp
Classification: Uncertain significance for Hereditary spastic paraplegia 28. Last evaluated: 2020-08-11. Review status: criteria provided, single submitter. Criteria: Invitae Variant Classification Sherloc (09022015). Collection method: clinical testing. Allele origin: germline.
Comment: In summary, the available evidence is currently insufficient to determine the role of this variant in disease. Therefore, it has been classified as a Variant of Uncertain Significance. Algorithms developed to predict the effect of sequence changes on RNA splicing suggest that this variant may create or strengthen a splice site, but this prediction has not been confirmed by published transcriptional studies. Algorithms developed to predict the effect of missense changes on protein structure and function (SIFT, PolyPhen-2, Align-GVGD) all suggest that this variant is likely to be tolerated, but these predictions have not been confirmed by published functional studies and their clinical significance is uncertain. This variant has not been reported in the literature in individuals with DDHD1-related conditions. This variant is not present in population databases (ExAC no frequency). This sequence change replaces threonine with alanine at codon 455 of the DDHD1 protein (p.Thr455Ala). The threonine residue is moderately conserved and there is a small physicochemical difference between threonine and alanine.

NM_001160148.2(DDHD1):c.1342A>G (p.Thr448Ala)

Gene: DDHD1 (DDHD domain containing 1; minus strand). Cytogenetic location: 14q22.1.
Variant type: single nucleotide variant.
Coding change: c.1342A>G on transcript NM_001160148.2 (MANE Select); coding-DNA position 1342, A replaced by G.
Protein change: p.Thr448Ala; replaces threonine 448 with alanine.
Molecular consequence: missense variant.
Genome position (GRCh38, 1-based): chr14:53,073,795, T>C on the plus strand (A>G on the coding strand, the complement: DDHD1 is on the minus strand). VCF-style: chr14-53073795-T-C. GRCh37 (hg19) VCF-style: chr14-53540513-T-C.
Other names: c.1363A>G, p.Thr455Ala (NM_001160147.2); c.1342A>G, p.Thr448Ala (NM_030637.3); short protein forms T448A, T455A.
Identifiers: ClinVar variation 1018848 (VCV001018848.8), dbSNP rs1884727925, ClinGen allele CA389764850.